The following is an entry in ClinVar:

NM_014141.6(CNTNAP2):c.1348+1G>A

Gene: CNTNAP2 (contactin associated protein 2; plus strand). Cytogenetic location: 7q35.
Variant type: single nucleotide variant.
Coding change: c.1348+1G>A on transcript NM_014141.6 (MANE Select); the canonical splice donor site of the intron after coding-DNA position 1348, G replaced by A.
Molecular consequence: splice donor variant.
Genome position (GRCh38, 1-based): chr7:147,132,510, G>A. VCF-style: chr7-147132510-G-A. GRCh37 (hg19) VCF-style: chr7-146829602-G-A.
Identifiers: ClinVar variation 2691868 (VCV002691868.5), dbSNP rs2485923443, ClinGen allele CA369925017.

ClinVar aggregate classification (germline): Likely pathogenic. Review status: criteria provided, multiple submitters, no conflicts (2 of 4 stars). 2 submissions from 2 submitters: Likely pathogenic (2). Last evaluated 2023-12-17.

Conditions:
Cortical dysplasia-focal epilepsy syndrome (PTHSL1). Also called: Pitt-Hopkins-like syndrome 1. Identifiers: Orphanet 163681, Orphanet 221150, MedGen C2750246, MONDO:0012400, OMIM 610042.

Submissions (2):

Institute of Human Genetics, University of Leipzig Medical Center
Classification: Likely pathogenic for Cortical dysplasia-focal epilepsy syndrome. Last evaluated: 2023-12-17. Review status: criteria provided, single submitter. Criteria: ACMG Guidelines, 2015. Collection method: clinical testing. Allele origin: maternal. Inheritance: Autosomal recessive inheritance. Affected: yes.
Comment: Criteria applied: PVS1,PM2

Labcorp Genetics (formerly Invitae), Labcorp
Classification: Likely pathogenic for Cortical dysplasia-focal epilepsy syndrome. Last evaluated: 2023-09-10. Review status: criteria provided, single submitter. Criteria: Invitae Variant Classification Sherloc (09022015). Collection method: clinical testing. Allele origin: germline.
Comment: In summary, the currently available evidence indicates that the variant is pathogenic, but additional data are needed to prove that conclusively. Therefore, this variant has been classified as Likely Pathogenic. Algorithms developed to predict the effect of sequence changes on RNA splicing suggest that this variant may disrupt the consensus splice site. This variant has not been reported in the literature in individuals affected with CNTNAP2-related conditions. This variant is not present in population databases (gnomAD no frequency). This sequence change affects a donor splice site in intron 8 of the CNTNAP2 gene. It is expected to disrupt RNA splicing. Variants that disrupt the donor or acceptor splice site typically lead to a loss of protein function (PMID: 16199547), and loss-of-function variants in CNTNAP2 are known to be pathogenic (PMID: 19896112, 21827697, 25045150, 26843181, 27439707).

Literature cited by the submitters: PubMed 16199547 (cited by Labcorp Genetics (formerly Invitae), Labcorp); PubMed 19896112 (cited by Labcorp Genetics (formerly Invitae), Labcorp); PubMed 21827697 (cited by Labcorp Genetics (formerly Invitae), Labcorp); PubMed 25045150 (cited by Labcorp Genetics (formerly Invitae), Labcorp); PubMed 26843181 (cited by Labcorp Genetics (formerly Invitae), Labcorp); PubMed 27439707 (cited by Labcorp Genetics (formerly Invitae), Labcorp).